The following is an entry in ClinVar:

ClinVar aggregate classification (germline): Likely benign. Review status: criteria provided, multiple submitters, no conflicts (2 of 4 stars). 3 submissions from 3 submitters: Likely benign (3). Last evaluated 2025-12-16.

Conditions:
Inborn genetic diseases. Identifiers: MedGen C0950123, MeSH D030342.

Allele frequency attached by ClinVar (database versions not stated): ESP Exome Variant Server 0.00008; gnomAD exomes 0.00010 and 0.00012; ExAC 0.00014; 1000 Genomes Project 0.00040.

Submissions (3):

Labcorp Genetics (formerly Invitae), Labcorp
Classification: Likely benign. Last evaluated: 2025-12-16. Review status: criteria provided, single submitter. Criteria: Invitae Variant Classification Sherloc (09022015). Collection method: clinical testing. Allele origin: germline.

CeGaT Center for Human Genetics Tuebingen
Classification: Likely benign. Last evaluated: 2025-11-01. Review status: criteria provided, single submitter. Criteria: CeGaT Center For Human Genetics Tuebingen Variant Classification Criteria Version 2. Collection method: clinical testing. Allele origin: germline. Affected: yes. Observed: 1 variant allele.
Comment: CYP11B1: BP4, BP7

Ambry Genetics
Classification: Likely benign for Inborn genetic diseases. Last evaluated: 2025-06-24. Review status: criteria provided, single submitter. Criteria: Ambry Variant Classification Scheme 2023. Collection method: clinical testing. Allele origin: germline.

NM_000497.4(CYP11B1):c.435T>C (p.Asn145=)

Genes: CYP11B1 (cytochrome P450 family 11 subfamily B member 1; minus strand), LOC106799833 (CYP11B1 recombination region; plus strand). Cytogenetic location: 8q24.3.
Variant type: single nucleotide variant.
Coding change: c.435T>C on transcript NM_000497.4 (MANE Select); coding-DNA position 435, T replaced by C.
Protein change: p.Asn145=; no amino-acid change (asparagine 145 retained).
Molecular consequence: synonymous variant.
Genome position (GRCh38, 1-based): chr8:142,877,183, A>G on the plus strand (T>C on the coding strand, the complement: CYP11B1 is on the minus strand). VCF-style: chr8-142877183-A-G. GRCh37 (hg19) VCF-style: chr8-143958599-A-G.
Other names: c.435T>C, p.Asn145= (NM_001026213.1).
Identifiers: ClinVar variation 707655 (VCV000707655.17), dbSNP rs150930202, ClinGen allele CA4905442.
Genomic context (GRCh38, chr8:142,877,183, plus strand): 5'-GGCCACTGCATCCACCATCGGGAGGAACCTCTGCACAGCGTTGGGCGACAGCACTTCTGG[A>G]TTCAGCCGCAATCGGTTGAAGCGCCATTCAGGCCCATTCCTACAGAGGCCAGGGCAGAGC-3'
Protein context (NP_000488.3, residues 135-155): PEWRFNRLRL[Asn145=]PEVLSPNAVQ